The following is an entry in ClinVar:

NM_000383.4(AIRE):c.1004G>A (p.Trp335Ter)

Gene: AIRE (autoimmune regulator; plus strand). Cytogenetic location: 21q22.3.
Variant type: single nucleotide variant.
Coding change: c.1004G>A on transcript NM_000383.4 (MANE Select); coding-DNA position 1004, G replaced by A.
Protein change: p.Trp335Ter; replaces tryptophan 335 with a stop codon.
Molecular consequence: nonsense.
Genome position (GRCh38, 1-based): chr21:44,292,310, G>A. VCF-style: chr21-44292310-G-A. GRCh37 (hg19) VCF-style: chr21-45712193-G-A.
Other names: c.1004G>A (NM_000383.3); short protein forms W335*.
Identifiers: ClinVar variation 3587692 (VCV003587692.2).

ClinVar aggregate classification (germline): Likely pathogenic. Review status: criteria provided, multiple submitters, no conflicts (2 of 4 stars). 2 submissions from 2 submitters: Likely pathogenic (2). Last evaluated 2025-10-30.

Conditions:
Polyglandular autoimmune syndrome, type 1 (APS1). Also called: Whitaker syndrome; Autoimmune polyendocrinopathy syndrome , type I, with or without reversible metaphyseal dysplasia; AUTOIMMUNE POLYENDOCRINE SYNDROME, TYPE I, WITH OR WITHOUT REVERSIBLE METAPHYSEAL DYSPLASIA; APS I; HYPOADRENOCORTICISM WITH HYPOPARATHYROIDISM AND SUPERFICIAL MONILIASIS; PGA I. Identifiers: Orphanet 3453, MedGen C0085859, MONDO:0009411, OMIM 240300.

Submissions (2):

Natera, Inc.
Classification: Likely pathogenic for Polyglandular autoimmune syndrome type 1. Last evaluated: 2025-10-30. Review status: criteria provided, single submitter. Criteria: Natera Variant Classification Schema (03/2026). Collection method: clinical testing. Allele origin: germline.
Comment: The c.1004G>A variant in AIRE is a nonsense variant predicted to introduce a stop codon at amino acid 335. This variant is expected to result in nonsense mediated decay, truncation, or a dysfunctional protein product. This variant is rare in the general population with a frequency below the threshold expected for the associated phenotype(s). Given the available evidence, this variant is classified as Likely Pathogenic.

Fulgent Genetics
Classification: Likely pathogenic for Polyglandular autoimmune syndrome, type 1. Last evaluated: 2024-02-07. Review status: criteria provided, single submitter. Criteria: ACMG Guidelines, 2015. Collection method: clinical testing. Allele origin: germline.